The following is an entry in ClinVar:

ClinVar aggregate classification (germline): Uncertain significance (1 of 4 stars; one submission).

Conditions:
Combined immunodeficiency due to LRBA deficiency. Also called: Common variable immunodeficiency 8, with autoimmunity. Identifiers: Orphanet 445018, MedGen C3553512, MONDO:0013863, OMIM 614700.

Submission:

Labcorp Genetics (formerly Invitae), Labcorp
Classification: Uncertain significance for Combined immunodeficiency due to LRBA deficiency. Last evaluated: 2022-09-06. Review status: criteria provided, single submitter. Criteria: Invitae Variant Classification Sherloc (09022015). Collection method: clinical testing. Allele origin: germline.
Comment: In summary, the available evidence is currently insufficient to determine the role of this variant in disease. Therefore, it has been classified as a Variant of Uncertain Significance. Algorithms developed to predict the effect of missense changes on protein structure and function are either unavailable or do not agree on the potential impact of this missense change (SIFT: "Tolerated"; PolyPhen-2: "Probably Damaging"; Align-GVGD: "Class C0"). ClinVar contains an entry for this variant (Variation ID: 1474536). This variant has not been reported in the literature in individuals affected with LRBA-related conditions. This variant is not present in population databases (gnomAD no frequency). This sequence change replaces glutamic acid, which is acidic and polar, with glutamine, which is neutral and polar, at codon 1852 of the LRBA protein (p.Glu1852Gln).

NM_001364905.1(LRBA):c.5554G>C (p.Glu1852Gln)

Gene: LRBA (LPS responsive beige-like anchor protein; minus strand). Cytogenetic location: 4q31.3.
Variant type: single nucleotide variant.
Coding change: c.5554G>C on transcript NM_001364905.1 (MANE Select); coding-DNA position 5554, G replaced by C.
Protein change: p.Glu1852Gln; replaces glutamic acid 1852 with glutamine.
Molecular consequence: missense variant.
Genome position (GRCh38, 1-based): chr4:150,798,107, C>G on the plus strand (G>C on the coding strand, the complement: LRBA is on the minus strand). VCF-style: chr4-150798107-C-G. GRCh37 (hg19) VCF-style: chr4-151719259-C-G.
Other names: c.5554G>C, p.Glu1852Gln (NM_001199282.3, NM_001367550.1, NM_006726.5); short protein forms E1852Q.
Identifiers: ClinVar variation 1474536 (VCV001474536.8), dbSNP rs2126671526, ClinGen allele CA358609473.